The following is an entry in ClinVar:

NM_001903.5(CTNNA1):c.202G>T (p.Ala68Ser)

Gene: CTNNA1 (catenin alpha 1; plus strand). Cytogenetic location: 5q31.2.
Variant type: single nucleotide variant.
Coding change: c.202G>T on transcript NM_001903.5 (MANE Select); coding-DNA position 202, G replaced by T.
Protein change: p.Ala68Ser; replaces alanine 68 with serine.
Molecular consequence: missense variant. On other transcripts: splice donor variant (1), intron variant (1).
Genome position (GRCh38, 1-based): chr5:138,783,273, G>T. VCF-style: chr5-138783273-G-T. GRCh37 (hg19) VCF-style: chr5-138118962-G-T.
Other names: c.202G>T, p.Ala68Ser (NM_001290307.3, NM_001323982.2, NM_001323983.1 and 3 more transcripts); c.-6+1G>T (NM_001290310.3); c.-9+1244G>T (NM_001290309.3); short protein forms A68S.
Identifiers: ClinVar variation 1421739 (VCV001421739.6), dbSNP rs766078636, ClinGen allele CA361477462.

ClinVar aggregate classification (germline): Uncertain significance (1 of 4 stars; one submission).

gnomAD v4.1: 1 of 1,614,124 alleles (0.000062%); highest among the groups gnomAD compares: Non-Finnish European, 0.000085%; no homozygotes.

Submission:

Labcorp Genetics (formerly Invitae), Labcorp
Classification: Uncertain significance. Last evaluated: 2021-10-19. Review status: criteria provided, single submitter. Criteria: Invitae Variant Classification Sherloc (09022015). Collection method: clinical testing. Allele origin: germline.
Comment: Algorithms developed to predict the effect of missense changes on protein structure and function are either unavailable or do not agree on the potential impact of this missense change (SIFT: "Deleterious"; PolyPhen-2: "Probably Damaging"; Align-GVGD: "Class C0"). This variant has not been reported in the literature in individuals affected with CTNNA1-related conditions. This variant is not present in population databases (ExAC no frequency). This sequence change replaces alanine with serine at codon 68 of the CTNNA1 protein (p.Ala68Ser). The alanine residue is highly conserved and there is a moderate physicochemical difference between alanine and serine. In summary, the available evidence is currently insufficient to determine the role of this variant in disease. Therefore, it has been classified as a Variant of Uncertain Significance.